The following is an entry in ClinVar:

ClinVar aggregate classification (germline): Pathogenic (1 of 4 stars; one submission).

Submission:

Labcorp Genetics (formerly Invitae), Labcorp
Classification: Pathogenic. Last evaluated: 2022-02-04. Review status: criteria provided, single submitter. Criteria: Invitae Variant Classification Sherloc (09022015). Collection method: clinical testing. Allele origin: germline.
Comment: For these reasons, this variant has been classified as Pathogenic. This variant has not been reported in the literature in individuals affected with MUT-related conditions. This variant is a gross deletion of the genomic region encompassing exon(s) 2-4 of the MUT gene, which includes the initiator codon. This deletion extends beyond the assayed region for this gene and therefore may encompass additional genes. It is expected to result in an absent or disrupted protein product. Loss-of-function variants in MUT are known to be pathogenic (PMID: 15781192).

Literature cited by the submitters: PubMed 15781192.

NC_000006.11:g.(?_49423783)_(49427219_?)del

Gene: MMUT (methylmalonyl-CoA mutase; minus strand). Cytogenetic location: 6p12.3.
Variant type: Deletion.
Identifiers: ClinVar variation 2422681 (VCV002422681.4).